The following is an entry in ClinVar:

NM_170606.3(KMT2C):c.5503C>G (p.Pro1835Ala)

Gene: KMT2C (lysine methyltransferase 2C; minus strand). Cytogenetic location: 7q36.1.
Variant type: single nucleotide variant.
Coding change: c.5503C>G on transcript NM_170606.3 (MANE Select); coding-DNA position 5503, C replaced by G.
Protein change: p.Pro1835Ala; replaces proline 1835 with alanine.
Molecular consequence: missense variant.
Genome position (GRCh38, 1-based): chr7:152,182,357, G>C on the plus strand (C>G on the coding strand, the complement: KMT2C is on the minus strand). VCF-style: chr7-152182357-G-C. GRCh37 (hg19) VCF-style: chr7-151879442-G-C.
Other names: short protein forms P1835A.
Identifiers: ClinVar variation 5037347 (VCV005037347.1).

ClinVar aggregate classification (germline): Uncertain significance (1 of 4 stars; one submission).

gnomAD v4.1: 3 of 1,613,542 alleles (0.00019%); highest among the groups gnomAD compares: Non-Finnish European, 0.00025%; 1 homozygote.

Submission:

GeneDx
Classification: Uncertain significance. Last evaluated: 2026-04-17. Review status: criteria provided, single submitter. Criteria: GeneDx Variant Classification Process June 2021. Collection method: clinical testing. Allele origin: germline.
Comment: Not observed at significant frequency in large population cohorts (gnomAD); In silico analysis supports that this missense variant has a deleterious effect on protein structure/function; Has not been previously published as pathogenic or benign to our knowledge